The following is an entry in ClinVar:

ClinVar aggregate classification (germline): Benign (1 of 4 stars; one submission).

Conditions:
Childhood apraxia of speech (SPCH1). Also called: DEVELOPMENTAL VERBAL DYSPRAXIA; Speech language disorder; FOXP2-Related Speech and Language Disorder; SPEECH AND LANGUAGE DISORDER WITH OROFACIAL DYSPRAXIA. Identifiers: Orphanet 209908, MedGen C0750927, MONDO:0011184, OMIM 602081.

Allele frequency attached by ClinVar (database versions not stated): gnomAD 0.00036 and 0.00053; ExAC 0.00047; TOPMed 0.00136; 1000 Genomes Project 0.00379; 1000 Genomes Project 30x 0.00390.
gnomAD v4.1: 293 of 453,804 alleles (0.065%); highest among the groups gnomAD compares: East Asian, 1.8%; 3 homozygotes.

Submission:

Illumina Laboratory Services, Illumina
Classification: Benign for Childhood apraxia of speech. Last evaluated: 2018-01-13. Review status: criteria provided, single submitter. Criteria: ICSL Variant Classification Criteria 13 December 2019. Collection method: clinical testing. Allele origin: germline.
Comment: This variant was observed in the ICSL laboratory as part of a predisposition screen in an ostensibly healthy population. It had not been previously curated by ICSL or reported in the Human Gene Mutation Database (HGMD: prior to June 1st, 2018), and was therefore a candidate for classification through an automated scoring system. Utilizing variant allele frequency, disease prevalence and penetrance estimates, and inheritance mode, an automated score was calculated to assess if this variant is too frequent to cause the disease. Based on the score and internal cut-off values, a variant classified as benign is not then subjected to further curation. The score for this variant resulted in a classification of benign for this disease.

NM_014491.4(FOXP2):c.*3457G>A

Gene: FOXP2 (forkhead box P2; plus strand). Cytogenetic location: 7q31.1.
Variant type: single nucleotide variant.
Coding change: c.*3457G>A on transcript NM_014491.4 (MANE Select); 3457 bases downstream of the stop codon, G replaced by A.
Molecular consequence: 3 prime UTR variant. On other transcripts: non-coding transcript variant (2).
Genome position (GRCh38, 1-based): chr7:114,693,383, G>A. VCF-style: chr7-114693383-G-A. GRCh37 (hg19) VCF-style: chr7-114333438-G-A.
Other names: c.*3457G>A (NM_001172766.3, NM_148898.4, NM_148900.4).
Identifiers: ClinVar variation 358666 (VCV000358666.5), dbSNP rs190599917, ClinGen allele CA4446511.